The following is an entry in ClinVar:

NM_015981.4(CAMK2A):c.270C>T (p.Asp90=)

Gene: CAMK2A (calcium/calmodulin dependent protein kinase II alpha; minus strand). Cytogenetic location: 5q32.
Variant type: single nucleotide variant.
Coding change: c.270C>T on transcript NM_015981.4 (MANE Select); coding-DNA position 270, C replaced by T.
Protein change: p.Asp90=; no amino-acid change (aspartic acid 90 retained).
Molecular consequence: synonymous variant.
Genome position (GRCh38, 1-based): chr5:150,257,565, G>A on the plus strand (C>T on the coding strand, the complement: CAMK2A is on the minus strand). VCF-style: chr5-150257565-G-A. GRCh37 (hg19) VCF-style: chr5-149637128-G-A.
Other names: c.270C>T, p.Asp90= (NM_001363989.1, NM_001363990.1, NM_001369025.2 and 1 more transcripts).
Identifiers: ClinVar variation 1342475 (VCV001342475.2), dbSNP rs1464070393, ClinGen allele CA447152603.

ClinVar aggregate classification (germline): Uncertain significance (1 of 4 stars; one submission).

Conditions:
Intellectual developmental disorder, autosomal dominant 53. Also called: Intellectual disability, autosomal dominant 53; MENTAL RETARDATION, AUTOSOMAL DOMINANT 53. Identifiers: MedGen C4540481, MONDO:0030919, OMIM 617798.

Allele frequency attached by ClinVar (database versions not stated): gnomAD exomes below 0.00001; TOPMed 0.00003.
gnomAD v4.1: 3 of 1,567,132 alleles (0.00019%); highest among the groups gnomAD compares: African/African-American, 0.0041%; no homozygotes.

Submission:

New York Genome Center
Classification: Uncertain significance for Intellectual developmental disorder, autosomal dominant 53. Last evaluated: 2021-08-05. Review status: criteria provided, single submitter. Criteria: NYGC Assertion Criteria 2020. Collection method: clinical testing. Allele origin: inherited. Observed: 2 heterozygotes. Clinical features observed: Intellectual disability (HP:0001249), Seizure (HP:0001250), Delayed speech and language development (HP:0000750), Abnormality of the dentition (HP:0000164), Attention deficit hyperactivity disorder (HP:0007018), Atypical behavior (HP:0000708). Study: CSER-NYCKidSeq.
Comment: The inherited heterozygous c.270C>T (p.Asp90=) synonymous variant identified in the CAMK2A gene has not been reported in affected individuals in the literature. This synonymous variant in exon4 is located just two nucleotides away from the exon/intron splice junction. In silico tools provide conflicting predictions about potential effect of this variant on CAMK2A mRNA splicing [TRAP score = 0.932 (deleterious), SpliceAI score = 0.01 (benign)]. The variant is absent from gnomAD(v3) database suggesting it is not a common benign variant in the populations represented in that database. Based on the available evidence, the inherited heterozygous c.270C>T (p.Asp90=) variant identified in the CAMK2A gene is reported as a variant of uncertain significance.